The following is an entry in ClinVar:

NM_000440.3(PDE6A):c.251A>T (p.Lys84Met)

Gene: PDE6A (phosphodiesterase 6A; minus strand). Cytogenetic location: 5q32.
Variant type: single nucleotide variant.
Coding change: c.251A>T on transcript NM_000440.3 (MANE Select); coding-DNA position 251, A replaced by T.
Protein change: p.Lys84Met; replaces lysine 84 with methionine.
Molecular consequence: missense variant.
Genome position (GRCh38, 1-based): chr5:149,944,423, T>A on the plus strand (A>T on the coding strand, the complement: PDE6A is on the minus strand). VCF-style: chr5-149944423-T-A. GRCh37 (hg19) VCF-style: chr5-149323986-T-A.
Other names: short protein forms K84M.
Identifiers: ClinVar variation 193098 (VCV000193098.16), dbSNP rs771965437, ClinGen allele CA238608.

ClinVar aggregate classification (germline): Conflicting classifications of pathogenicity. Review status: criteria provided, conflicting classifications (1 of 4 stars). 5 submissions from 5 submitters: Uncertain significance (3); Likely benign (2). Last evaluated 2025-10-31.

Conditions:
PDE6A-related disorder. Also called: PDE6A-related condition.
Retinitis pigmentosa 43 (RP43). Identifiers: Orphanet 791, MedGen C3151139, MONDO:0013437, OMIM 613810.

Allele frequency attached by ClinVar (database versions not stated): TOPMed 0.00002; gnomAD 0.00004.
gnomAD v4.1: 59 of 1,613,988 alleles (0.0037%); highest among the groups gnomAD compares: Middle Eastern, 0.049%; no homozygotes.

Submissions (5):

Labcorp Genetics (formerly Invitae), Labcorp
Classification: Likely benign. Last evaluated: 2025-10-31. Review status: criteria provided, single submitter. Criteria: Invitae Variant Classification Sherloc (09022015). Collection method: clinical testing. Allele origin: germline.

PreventionGenetics, part of Exact Sciences
Classification: Likely benign for PDE6A-related condition. Last evaluated: 2024-10-15. Review status: criteria provided, single submitter. Criteria: ACMG Guidelines, 2015. Collection method: clinical testing. Allele origin: germline.
Comment: This variant is classified as likely benign based on ACMG/AMP sequence variant interpretation guidelines (Richards et al. 2015 PMID: 25741868, with internal and published modifications).

Blueprint Genetics
Classification: Uncertain significance. Last evaluated: 2024-10-07. Review status: criteria provided, single submitter. Criteria: ACMG Guidelines, 2015. Collection method: clinical testing. Allele origin: germline.

Department of Pathology and Laboratory Medicine, Sinai Health System
Classification: Uncertain significance for Retinitis pigmentosa 43. Last evaluated: 2022-06-28. Review status: criteria provided, single submitter. Criteria: ACMG Guidelines, 2015. Collection method: research. Allele origin: germline.

Eurofins Ntd Llc (ga)
Classification: Uncertain significance. Last evaluated: 2014-11-23. Review status: criteria provided, single submitter. Criteria: EGL Classification Definitions 2015. Collection method: clinical testing. Allele origin: germline. Observed: 1 variant allele, 1 heterozygote.